The following is an entry in ClinVar:

NM_002715.4(PPP2CA):c.379del (p.Tyr127fs)

Gene: PPP2CA (protein phosphatase 2 catalytic subunit alpha; minus strand). Cytogenetic location: 5q31.1.
Variant type: Deletion.
Coding change: c.379del on transcript NM_002715.4 (MANE Select); coding-DNA position 379, one base deleted (T; older notation c.379delT).
Protein change: p.Tyr127fs; shifts the reading frame from tyrosine 127.
Molecular consequence: frameshift variant. On other transcripts: non-coding transcript variant (1).
Genome position (GRCh38, 1-based): chr5:134,201,955, A deleted on the plus strand (T on the coding strand, the reverse complement: PPP2CA is on the minus strand); the first of 3 consecutive A bases (chr5:134,201,955-134,201,957); deleting any one gives the same sequence. VCF-style (leftmost placement, unchanged base first): chr5-134201954-TA-T. GRCh37 (hg19) VCF-style: chr5-133537645-TA-T.
Other names: c.184del, p.Tyr62fs (NM_001355019.2); short protein forms Y127fs, Y62fs.
Identifiers: ClinVar variation 1806213 (VCV001806213.1), dbSNP rs2481051363, ClinGen allele CA1139771267.

ClinVar aggregate classification (germline): Pathogenic (1 of 4 stars; one submission).

Conditions:
Houge-Janssens syndrome 3. Also called: NEURODEVELOPMENTAL DISORDER AND LANGUAGE DELAY WITH OR WITHOUT STRUCTURAL BRAIN ABNORMALITIES. Identifiers: MedGen C5193048, MONDO:0032697, OMIM 618354.

Submission:

Victorian Clinical Genetics Services, Murdoch Childrens Research Institute
Classification: Pathogenic for Houge-Janssens syndrome 3. Last evaluated: 2021-05-06. Review status: criteria provided, single submitter. Criteria: ACMG Guidelines, 2015. Collection method: clinical testing. Allele origin: germline. Inheritance: Autosomal dominant inheritance.
Comment: Based on the classification scheme VCGS_Germline_v1.3.4, this variant is classified as Pathogenic. Following criteria are met: 0102 - Loss of function is a known mechanism of disease in this gene and is associated with neurodevelopmental disorder and language delay with or without structural brain abnormalities (MIM#618354). (I) 0107 - This gene is associated with autosomal dominant disease. (I) 0201 - Variant is predicted to cause nonsense-mediated decay (NMD) and loss of protein (premature termination codon is located at least 54 nucleotides upstream of the final exon-exon junction). (SP) 0251 - This variant is heterozygous. (I) 0301 - Variant is absent from gnomAD (both v2 and v3). (SP) 0401 - Variant is located in a gene associated with a severe early-onset dominant condition that is intolerant to loss of function variants (gnomAD, OMIM). (SP) 0702 - Other NMD-predicted variants comparable to the one identified in this case have strong previous evidence for pathogenicity. Other variants resulting in a loss of function have previously been reported as pathogenic in individuals with neurodevelopmental disorder and language delay with or without structural brain abnormalities (MIM#618354), and all were shown to be de novo (ClinVar, PMID: 30595372). (SP) 0807 - This variant has no previous evidence of pathogenicity. (I) 0905 - No published segregation evidence has been identified for this variant. (I) 1007 - No published functional evidence has been identified for this variant. (I) 1102 - Strong phenotype match for this individual. (SP) 1208 - Inheritance information for this variant is not currently available in this individual. (I) Legend: (SP) - Supporting pathogenic, (I) - Information, (SB) - Supporting benign

Literature cited by the submitters: PubMed 30595372.